The following is an entry in ClinVar:

ClinVar aggregate classification (germline): Benign/Likely benign. Review status: criteria provided, multiple submitters, no conflicts (2 of 4 stars). 5 submissions from 5 submitters: Benign (1); Likely benign (4). Last evaluated 2025-12-15.

Conditions:
Renal cell carcinoma. Identifiers: Orphanet 217071, MedGen C0007134, MeSH D002292, MONDO:0005086, HP:0005584.
Hereditary cancer-predisposing syndrome. Also called: Neoplastic Syndromes, Hereditary; Tumor predisposition; Hereditary Cancer Syndrome; Hereditary neoplastic syndrome. Identifiers: Orphanet 140162, MedGen C0027672, MeSH D009386, MONDO:0015356.
Papillary renal cell carcinoma type 1 (RCCP1). Also called: RENAL CELL CARCINOMA, PAPILLARY, 1, SOMATIC; Renal adenocarcinoma; Renal cell carcinoma 1; Renal cell carcinoma, somatic. Identifiers: Orphanet 47044, MedGen C1336839, OMIM 605074, HP:0011797.

Allele frequency attached by ClinVar (database versions not stated): gnomAD 0.00001; TOPMed 0.00003; ExAC 0.00004; gnomAD exomes 0.00004 and 0.00009.
gnomAD v4.1: 124 of 1,614,026 alleles (0.0077%); highest among the groups gnomAD compares: Non-Finnish European, 0.01%; no homozygotes.

Submissions (5):

Labcorp Genetics (formerly Invitae), Labcorp
Classification: Likely benign for Renal cell carcinoma. Last evaluated: 2025-12-15. Review status: criteria provided, single submitter. Criteria: Invitae Variant Classification Sherloc (09022015). Collection method: clinical testing. Allele origin: germline.

Myriad Genetics, Inc.
Classification: Benign for Papillary renal cell carcinoma type 1. Last evaluated: 2024-11-07. Review status: criteria provided, single submitter. Criteria: Myriad Autosomal Dominant, Autosomal Recessive and X-Linked Classification Criteria (2023). Collection method: clinical testing. Allele origin: unknown.
Comment: This variant is considered benign. This variant is a silent/synonymous amino acid change and it is not expected to impact splicing.

Sema4
Classification: Likely benign for Hereditary cancer-predisposing syndrome. Last evaluated: 2021-11-22. Review status: criteria provided, single submitter. Criteria: Sema4 Curation Guidelines. Collection method: curation. Allele origin: germline.

GeneDx
Classification: Likely benign. Last evaluated: 2020-10-26. Review status: criteria provided, single submitter. Criteria: GeneDx Variant Classification Process June 2021. Collection method: clinical testing. Allele origin: germline. Affected: yes.

Ambry Genetics
Classification: Likely benign for Hereditary cancer-predisposing syndrome. Last evaluated: 2014-10-31. Review status: criteria provided, single submitter. Criteria: Ambry Variant Classification Scheme 2023. Collection method: clinical testing. Allele origin: germline.

NM_000245.4(MET):c.1497T>C (p.Asn499=)

Gene: MET (MET proto-oncogene, receptor tyrosine kinase; plus strand). Cytogenetic location: 7q31.2.
Variant type: single nucleotide variant.
Coding change: c.1497T>C on transcript NM_000245.4 (MANE Select); coding-DNA position 1497, T replaced by C.
Protein change: p.Asn499=; no amino-acid change (asparagine 499 retained).
Molecular consequence: synonymous variant.
Genome position (GRCh38, 1-based): chr7:116,740,054, T>C. VCF-style: chr7-116740054-T-C. GRCh37 (hg19) VCF-style: chr7-116380108-T-C.
Other names: c.1497T>C, p.Asn499= (NM_001127500.3, NM_001324401.3); c.207T>C, p.Asn69= (NM_001324402.2).
Identifiers: ClinVar variation 186953 (VCV000186953.21), dbSNP rs199922867, ClinGen allele CA196329.
Genomic context (GRCh38, chr7:116,740,054, plus strand): 5'-TCTCCTGGACTCCCATCCAGTGTCTCCAGAAGTGATTGTGGAGCATACATTAAACCAAAA[T>C]GGCTACACACTGGTTATCACTGGGAAGAAGGTAAGCTGTTCCCACAGGGAATTTCCATAG-3'
Protein context (NP_000236.2, residues 489-509): EVIVEHTLNQ[Asn499=]GYTLVITGKK